The following is an entry in ClinVar:

NM_000465.4(BARD1):c.1029C>A (p.Thr343=)

Gene: BARD1 (BRCA1 associated RING domain 1; minus strand). Cytogenetic location: 2q35.
Variant type: single nucleotide variant.
Coding change: c.1029C>A on transcript NM_000465.4 (MANE Select); coding-DNA position 1029, C replaced by A.
Protein change: p.Thr343=; no amino-acid change (threonine 343 retained).
Molecular consequence: synonymous variant. On other transcripts: non-coding transcript variant (2), intron variant (3).
Genome position (GRCh38, 1-based): chr2:214,780,845, G>T on the plus strand (C>A on the coding strand, the complement: BARD1 is on the minus strand). VCF-style: chr2-214780845-G-T. GRCh37 (hg19) VCF-style: chr2-215645569-G-T.
Other names: c.972C>A, p.Thr324= (NM_001282543.2); c.159-28290C>A (NM_001282548.2); c.215+16216C>A (NM_001282545.2); c.364+11452C>A (NM_001282549.2).
Identifiers: ClinVar variation 1153074 (VCV001153074.11), dbSNP rs35513316, ClinGen allele CA431390679.
Genomic context (GRCh38, chr2:214,780,845, plus strand): 5'-AGAACATTCAGGCAATGGTATATTTTCTGAGGGCACCGTTTGCTTAACAAAATCTCCACT[G>T]GTGCTCAGAATGCTGGTTCTACATCTCTTAGAAATGGGACTGGAAAGTCTATTGTGATGG-3'
Protein context (NP_000456.2, residues 333-353): SKRCRTSILS[Thr343=]SGDFVKQTVP

ClinVar aggregate classification (germline): Benign/Likely benign. Review status: criteria provided, multiple submitters, no conflicts (2 of 4 stars). 2 submissions from 2 submitters: Benign (1); Likely benign (1). Last evaluated 2024-07-23.

Conditions:
Familial cancer of breast. Also called: hereditary breast carcinoma; BREAST CANCER, FAMILIAL; Hereditary breast cancer. Identifiers: Orphanet 227535, MedGen C0346153, MONDO:0016419, OMIM 114480. Disease mechanism: loss of function.

Submissions (2):

Myriad Genetics, Inc.
Classification: Benign for Familial cancer of breast. Last evaluated: 2024-07-23. Review status: criteria provided, single submitter. Criteria: Myriad Autosomal Dominant, Autosomal Recessive and X-Linked Classification Criteria (2023). Collection method: clinical testing. Allele origin: unknown.
Comment: This variant is considered benign. This variant is a silent/synonymous amino acid change and it is not expected to impact splicing.

Labcorp Genetics (formerly Invitae), Labcorp
Classification: Likely benign for Familial cancer of breast. Last evaluated: 2023-05-15. Review status: criteria provided, single submitter. Criteria: Invitae Variant Classification Sherloc (09022015). Collection method: clinical testing. Allele origin: germline.